The following is an entry in ClinVar:

NM_001211.6(BUB1B):c.698A>T (p.Lys233Ile)

Gene: BUB1B (BUB1 mitotic checkpoint serine/threonine kinase B; plus strand). Cytogenetic location: 15q15.1.
Variant type: single nucleotide variant.
Coding change: c.698A>T on transcript NM_001211.6 (MANE Select); coding-DNA position 698, A replaced by T.
Protein change: p.Lys233Ile; replaces lysine 233 with isoleucine.
Molecular consequence: missense variant.
Genome position (GRCh38, 1-based): chr15:40,183,830, A>T. VCF-style: chr15-40183830-A-T. GRCh37 (hg19) VCF-style: chr15-40476031-A-T.
Other names: short protein forms K233I.
Identifiers: ClinVar variation 5033522 (VCV005033522.1).

ClinVar aggregate classification (germline): Uncertain significance (1 of 4 stars; one submission).

Conditions:
Inborn genetic diseases. Identifiers: MedGen C0950123, MeSH D030342.

Submission:

Ambry Genetics
Classification: Uncertain significance for Inborn genetic diseases. Last evaluated: 2026-07-24. Review status: criteria provided, single submitter. Criteria: Ambry Variant Classification Scheme 2023. Collection method: clinical testing. Allele origin: germline.
Comment: The p.K233I variant (also known as c.698A>T), located in coding exon 6 of the BUB1B gene, results from an A to T substitution at nucleotide position 698. The lysine at codon 233 is replaced by isoleucine, an amino acid with dissimilar properties. This amino acid position is conserved. In addition, this alteration is predicted to be tolerated by in silico analysis. Based on the available evidence, the clinical significance of this variant remains unclear.